The following is an entry in ClinVar:

ClinVar aggregate classification (germline): Pathogenic (1 of 4 stars; one submission).

Submission:

GeneDx
Classification: Pathogenic. Last evaluated: 2018-01-26. Review status: criteria provided, single submitter. Criteria: GeneDx Variant Classification (06012015). Collection method: clinical testing. Allele origin: germline. Affected: yes.
Comment: The de novo c.838_839delGT pathogenic variant in the GRIN2B gene has not been reported previously as a pathogenic variant, nor as a benign variant, to our knowledge. The c.838_839delGT variant causes a frameshift starting with codon Valine 280, changes this amino acid to a Isoleucine residue, and creates a premature Stop codon at position 3 of the new reading frame, denoted Val280IlefsX3. This variant is predicted to cause loss of normal protein function either through protein truncation or nonsense-mediated mRNA decay. The c.838_839delGT variant is not observed in large population cohorts (Lek et al., 2016; 1000 Genomes Consortium et al., 2015; Exome Variant Server). We interpret c.838_839delGT as a pathogenic variant.

NM_000834.5(GRIN2B):c.838_839del (p.Val280fs)

Gene: GRIN2B (glutamate ionotropic receptor NMDA type subunit 2B; minus strand). Cytogenetic location: 12p13.1.
Variant type: Deletion.
Coding change: c.838_839del on transcript NM_000834.5 (MANE Select); coding-DNA positions 838 to 839, 2 bases deleted (GT; older notation c.838_839delGT).
Protein change: p.Val280fs; shifts the reading frame from valine 280.
Molecular consequence: frameshift variant.
Genome position (GRCh38, 1-based): chr12:13,753,488-13,753,489, AC deleted on the plus strand (GT on the coding strand, the reverse complement: GRIN2B is on the minus strand); deleting any 2 consecutive bases within chr12:13,753,488-13,753,490 gives the same sequence; the c. name uses the placement nearest the transcript's 3' end. VCF-style (leftmost placement, unchanged base first): chr12-13753487-TAC-T. GRCh37 (hg19) VCF-style: chr12-13906421-TAC-T.
Other names: short protein forms V280fs.
Identifiers: ClinVar variation 450181 (VCV000450181.2), dbSNP rs1555133006, ClinGen allele CA658658122.